The following is an entry in ClinVar:

NM_003738.5(PTCH2):c.2605C>G (p.Leu869Val)

Gene: PTCH2 (patched 2; minus strand). Cytogenetic location: 1p34.1.
Variant type: single nucleotide variant.
Coding change: c.2605C>G on transcript NM_003738.5 (MANE Select); coding-DNA position 2605, C replaced by G.
Protein change: p.Leu869Val; replaces leucine 869 with valine.
Molecular consequence: missense variant.
Genome position (GRCh38, 1-based): chr1:44,826,992, G>C on the plus strand (C>G on the coding strand, the complement: PTCH2 is on the minus strand). VCF-style: chr1-44826992-G-C. GRCh37 (hg19) VCF-style: chr1-45292664-G-C.
Other names: c.2605C>G, p.Leu869Val (NM_001166292.2); short protein forms L869V.
Identifiers: ClinVar variation 2075693 (VCV002075693.4), dbSNP rs1464494537, ClinGen allele CA340094402.

ClinVar aggregate classification (germline): Uncertain significance (1 of 4 stars; one submission).

Conditions:
Gorlin syndrome. Also called: Nevoid Basal Cell Carcinoma Syndrome; Basal cell nevus syndrome. Identifiers: Orphanet 377, MedGen C0004779, MONDO:0007187.

Allele frequency attached by ClinVar (database versions not stated): TOPMed below 0.00001; gnomAD 0.00001.

Submission:

Labcorp Genetics (formerly Invitae), Labcorp
Classification: Uncertain significance for Gorlin syndrome. Last evaluated: 2022-09-07. Review status: criteria provided, single submitter. Criteria: Invitae Variant Classification Sherloc (09022015). Collection method: clinical testing. Allele origin: germline.
Comment: This variant is not present in population databases (gnomAD no frequency). This sequence change replaces leucine, which is neutral and non-polar, with valine, which is neutral and non-polar, at codon 869 of the PTCH2 protein (p.Leu869Val). This variant has not been reported in the literature in individuals affected with PTCH2-related conditions. In summary, the available evidence is currently insufficient to determine the role of this variant in disease. Therefore, it has been classified as a Variant of Uncertain Significance. Algorithms developed to predict the effect of missense changes on protein structure and function (SIFT, PolyPhen-2, Align-GVGD) all suggest that this variant is likely to be tolerated.